The following is an entry in ClinVar:

NM_001845.6(COL4A1):c.161C>T (p.Pro54Leu)

Gene: COL4A1 (collagen type IV alpha 1 chain; minus strand). Cytogenetic location: 13q34.
Variant type: single nucleotide variant.
Coding change: c.161C>T on transcript NM_001845.6 (MANE Select); coding-DNA position 161, C replaced by T.
Protein change: p.Pro54Leu; replaces proline 54 with leucine.
Molecular consequence: missense variant.
Genome position (GRCh38, 1-based): chr13:110,213,999, G>A on the plus strand (C>T on the coding strand, the complement: COL4A1 is on the minus strand). VCF-style: chr13-110213999-G-A. GRCh37 (hg19) VCF-style: chr13-110866346-G-A.
Other names: p.Pro54Leu; c.161C>T, p.Pro54Leu (NM_001303110.2); short protein forms P54L.
Identifiers: ClinVar variation 196327 (VCV000196327.56), dbSNP rs34004222, ClinGen allele CA202302.

ClinVar aggregate classification (germline): Conflicting classifications of pathogenicity. Review status: criteria provided, conflicting classifications (1 of 4 stars). 14 submissions from 13 submitters: Uncertain significance (2); Benign (6); Likely benign (3). 3 of the submissions do not count toward it. Last evaluated 2026-09-01.

Conditions:
COL4A1-related disorder. Also called: COL4A1-related condition; COL4A1-related disorders. Identifiers: MedGen CN376119, MONDO:0800461.
Brain small vessel disease 1 with or without ocular anomalies (BSVD1). Also called: BRAIN SMALL VESSEL DISEASE WITH HEMORRHAGE; Brain small vessel disease with or without ocular anomalies; GOULD SYNDROME 1; PORENCEPHALY, TYPE 1, AUTOSOMAL DOMINANT. Identifiers: Orphanet 2940, Orphanet 36383, Orphanet 99810, MedGen C4755307, MONDO:0008289, OMIM 175780.
Optic nerve hypoplasia. Identifiers: MedGen C0338502, HP:0000609.
Autosomal dominant familial hematuria-retinal arteriolar tortuosity-contractures syndrome. Also called: Angiopathy, hereditary, with nephropathy, aneurysms, and muscle cramps; Hereditary Angiopathy with Nephropathy, Aneurysms, and Muscle Cramps (HANAC) Syndrome. Identifiers: Orphanet 73229, MedGen C2673195, MONDO:0012726, OMIM 611773.
Chronic kidney disease. Identifiers: MedGen C1561643, MONDO:0005300, HP:0012622.

Allele frequency attached by ClinVar (database versions not stated): 1000 Genomes Project 0.00180; 1000 Genomes Project 30x 0.00203; TOPMed 0.00236; gnomAD 0.00264 and 0.00274; ExAC 0.00282; gnomAD exomes 0.00292 and 0.00415; ESP Exome Variant Server 0.00331.
gnomAD v4.1: 6,371 of 1,613,946 alleles (0.39%); highest among the groups gnomAD compares: Non-Finnish European, 0.46%; 22 homozygotes.

Submissions (14):

CeGaT Center for Human Genetics Tuebingen
Classification: Benign. Last evaluated: 2026-09-01. Review status: criteria provided, single submitter. Criteria: CeGaT Center For Human Genetics Tuebingen Variant Classification Criteria Version 2. Collection method: clinical testing. Allele origin: germline. Affected: yes. Observed: 23 variant alleles.
Comment: COL4A1: BS1, BS2

Labcorp Genetics (formerly Invitae), Labcorp
Classification: Benign. Last evaluated: 2026-02-02. Review status: criteria provided, single submitter. Criteria: Invitae Variant Classification Sherloc (09022015). Collection method: clinical testing. Allele origin: germline.

Blueprint Genetics
Classification: Likely benign. Last evaluated: 2024-11-21. Review status: criteria provided, single submitter. Criteria: ACMG Guidelines, 2015. Collection method: clinical testing. Allele origin: germline.

Mayo Clinic Laboratories, Mayo Clinic
Classification: Benign. Last evaluated: 2024-03-06. Review status: criteria provided, single submitter. Criteria: ACMG Guidelines, 2015. Collection method: clinical testing. Allele origin: germline. Observed: 7 variant alleles.
Comment: BS1, BS2, PP3

ARUP Laboratories, Molecular Genetics and Genomics, ARUP Laboratories
Classification: Likely benign. Last evaluated: 2023-08-23. Review status: criteria provided, single submitter. Criteria: ARUP Molecular Germline Variant Investigation Process 2024. Collection method: clinical testing. Allele origin: germline.

Cavalleri Lab, Royal College of Surgeons in Ireland
Classification: Uncertain significance for Chronic kidney disease. Last evaluated: 2020-05-28. Review status: criteria provided, single submitter. Criteria: ACMG Guidelines, 2015. Collection method: research. Allele origin: unknown. Inheritance: Autosomal dominant inheritance. Affected: yes.
Comment: PP2, PP3, BP6

GeneDx
Classification: Benign. Last evaluated: 2019-03-11. Review status: criteria provided, single submitter. Criteria: GeneDx Variant Classification Process June 2021. Collection method: clinical testing. Allele origin: germline. Affected: yes.
Comment: This variant is associated with the following publications: (PMID: 32172663, 32040484, 30653986, 30467950, 29507195)

Illumina Laboratory Services, Illumina
Classification: Benign for Brain small vessel disease 1 with or without ocular anomalies. Last evaluated: 2018-01-13. Review status: criteria provided, single submitter. Criteria: ICSL Variant Classification Criteria 13 December 2019. Collection method: clinical testing. Allele origin: germline.
Comment: This variant was observed in the ICSL laboratory as part of a predisposition screen in an ostensibly healthy population. It had not been previously curated by ICSL or reported in the Human Gene Mutation Database (HGMD: prior to June 1st, 2018), and was therefore a candidate for classification through an automated scoring system. Utilizing variant allele frequency, disease prevalence and penetrance estimates, and inheritance mode, an automated score was calculated to assess if this variant is too frequent to cause the disease. Based on the score and internal cut-off values, a variant classified as benign is not then subjected to further curation. The score for this variant resulted in a classification of benign for this disease.

Illumina Laboratory Services, Illumina
Classification: Benign for Autosomal dominant familial hematuria-retinal arteriolar tortuosity-contractures syndrome. Last evaluated: 2018-01-13. Review status: criteria provided, single submitter. Criteria: ICSL Variant Classification Criteria 13 December 2019. Collection method: clinical testing. Allele origin: germline.
Comment: the same text as in the submission from Illumina Laboratory Services, Illumina above.

Eurofins Ntd Llc (ga)
Classification: Likely benign. Last evaluated: 2014-10-21. Review status: criteria provided, single submitter. Criteria: EGL Classification Definitions 2015. Collection method: clinical testing. Allele origin: germline. Observed: 1 variant allele, 1 heterozygote.

Rare Disease Group, Clinical Genetics, Karolinska Institutet
Classification: Uncertain significance for Optic nerve hypoplasia. Review status: criteria provided, single submitter. Criteria: ACMG Guidelines, 2015. Collection method: research. Allele origin: paternal. Inheritance: Autosomal dominant inheritance. Affected: yes. Observed: 1 variant allele, 1 heterozygote.

PreventionGenetics, part of Exact Sciences
Classification: Likely benign for COL4A1-related condition. Last evaluated: 2024-03-07. Review status: no assertion criteria provided. Collection method: clinical testing. Allele origin: germline. Not counted in ClinVar's aggregate classification.
Comment: This variant is classified as likely benign based on ACMG/AMP sequence variant interpretation guidelines (Richards et al. 2015 PMID: 25741868, with internal and published modifications).

Diagnostic Laboratory, Department of Genetics, University Medical Center Groningen
Classification: Benign. Review status: no assertion criteria provided. Collection method: clinical testing. Allele origin: germline. Affected: yes. Study: VKGL Data-share Consensus. Not counted in ClinVar's aggregate classification.

Laboratory of Diagnostic Genome Analysis, Leiden University Medical Center (LUMC)
Classification: Likely benign. Review status: no assertion criteria provided. Collection method: clinical testing. Allele origin: germline. Affected: yes. Study: VKGL Data-share Consensus. Not counted in ClinVar's aggregate classification.